The following is an entry in ClinVar:

ClinVar aggregate classification (germline): Conflicting classifications of pathogenicity. Review status: criteria provided, conflicting classifications (1 of 4 stars). 4 submissions from 4 submitters: Uncertain significance (2); Likely benign (2). Last evaluated 2021-08-13.

Conditions:
Lissencephaly 9 with complex brainstem malformation. Identifiers: Orphanet 572013, MedGen C5193029, MONDO:0032677, OMIM 618325.
Inborn genetic diseases. Identifiers: MedGen C0950123, MeSH D030342.

Allele frequency attached by ClinVar (database versions not stated): ExAC 0.00002; gnomAD exomes 0.00003 and 0.00010; gnomAD 0.00005; TOPMed 0.00008.
gnomAD v4.1: 156 of 1,613,928 alleles (0.0097%); highest among the groups gnomAD compares: Non-Finnish European, 0.013%; no homozygotes.

Submissions (4):

Ambry Genetics
Classification: Likely benign for Inborn genetic diseases. Last evaluated: 2021-08-13. Review status: criteria provided, single submitter. Criteria: Ambry Variant Classification Scheme 2023. Collection method: clinical testing. Allele origin: germline.

GeneDx
Classification: Uncertain significance. Last evaluated: 2021-04-26. Review status: criteria provided, single submitter. Criteria: GeneDx Variant Classification Process June 2021. Collection method: clinical testing. Allele origin: germline. Affected: yes.
Comment: In silico analysis supports that this missense variant has a deleterious effect on protein structure/function; Has not been previously published as pathogenic or benign to our knowledge

Department of Pathology and Laboratory Medicine, Sinai Health System
Classification: Likely benign for Lissencephaly 9 with complex brainstem malformation. Last evaluated: 2020-07-31. Review status: criteria provided, single submitter. Criteria: ACMG Guidelines, 2015. Collection method: research. Allele origin: germline.

CeGaT Center for Human Genetics Tuebingen
Classification: Uncertain significance. Last evaluated: 2020-07-01. Review status: criteria provided, single submitter. Criteria: CeGaT Center For Human Genetics Tuebingen Variant Classification Criteria Version 2. Collection method: clinical testing. Allele origin: germline. Affected: yes. Observed: 1 variant allele.

NM_001394062.1(MACF1):c.12904G>T (p.Asp4302Tyr)

Gene: MACF1 (microtubule actin crosslinking factor 1; plus strand). Cytogenetic location: 1p34.3.
Variant type: single nucleotide variant.
Coding change: c.12904G>T on transcript NM_001394062.1 (MANE Select); coding-DNA position 12904, G replaced by T.
Protein change: p.Asp4302Tyr; replaces aspartic acid 4302 with tyrosine.
Molecular consequence: missense variant.
Genome position (GRCh38, 1-based): chr1:39,368,280, G>T. VCF-style: chr1-39368280-G-T. GRCh37 (hg19) VCF-style: chr1-39833952-G-T.
Other names: c.6718G>T, p.Asp2240Tyr (NM_012090.5); c.6718G>T (NM_012090.4); short protein forms D2240Y, D4302Y.
Identifiers: ClinVar variation 1012522 (VCV001012522.43), dbSNP rs778936558, ClinGen allele CA781903.